The following is an entry in ClinVar:

ClinVar aggregate classification (germline): Uncertain significance. Review status: criteria provided, multiple submitters, no conflicts (2 of 4 stars). 3 submissions from 3 submitters: Uncertain significance (3). Last evaluated 2025-12-26.

Conditions:
Retinal dystrophy. Also called: Inherited retinal dystrophy. Identifiers: Orphanet 71862, MedGen C0854723, MeSH D058499, MONDO:0019118, HP:0000556.
Inborn genetic diseases. Identifiers: MedGen C0950123, MeSH D030342.

Allele frequency attached by ClinVar (database versions not stated): 1000 Genomes Project 30x 0.00031; 1000 Genomes Project 0.00020; ExAC 0.00001; TOPMed 0.00004; gnomAD 0.00006; gnomAD exomes 0.00006.
gnomAD v4.1: 89 of 1,614,196 alleles (0.0055%); highest among the groups gnomAD compares: Non-Finnish European, 0.0069%; no homozygotes.

Submissions (3):

Labcorp Genetics (formerly Invitae), Labcorp
Classification: Uncertain significance. Last evaluated: 2025-12-26. Review status: criteria provided, single submitter. Criteria: Invitae Variant Classification Sherloc (09022015). Collection method: clinical testing. Allele origin: germline.
Comment: This sequence change replaces asparagine, which is neutral and polar, with serine, which is neutral and polar, at codon 322 of the PRPF8 protein (p.Asn322Ser). This variant is present in population databases (rs953338, gnomAD 0.006%). This variant has not been reported in the literature in individuals affected with PRPF8-related conditions. ClinVar contains an entry for this variant (Variation ID: 2214575). Invitae Evidence Modeling of protein sequence and biophysical properties (such as structural, functional, and spatial information, amino acid conservation, physicochemical variation, residue mobility, and thermodynamic stability) indicates that this missense variant is not expected to disrupt PRPF8 protein function with a negative predictive value of 80%. In summary, the available evidence is currently insufficient to determine the role of this variant in disease. Therefore, it has been classified as a Variant of Uncertain Significance.

Dept Of Ophthalmology, Nagoya University
Classification: Uncertain significance for Retinal dystrophy. Last evaluated: 2023-10-01. Review status: criteria provided, single submitter. Criteria: Submitter's publication. Collection method: research. Allele origin: germline. Affected: yes.

Ambry Genetics
Classification: Uncertain significance for Inborn genetic diseases. Last evaluated: 2021-09-01. Review status: criteria provided, single submitter. Criteria: Ambry Variant Classification Scheme 2023. Collection method: clinical testing. Allele origin: germline.

NM_006445.4(PRPF8):c.965A>G (p.Asn322Ser)

Gene: PRPF8 (pre-mRNA processing factor 8; minus strand). Cytogenetic location: 17p13.3.
Variant type: single nucleotide variant.
Coding change: c.965A>G on transcript NM_006445.4 (MANE Select); coding-DNA position 965, A replaced by G.
Protein change: p.Asn322Ser; replaces asparagine 322 with serine.
Molecular consequence: missense variant.
Genome position (GRCh38, 1-based): chr17:1,680,956, T>C on the plus strand (A>G on the coding strand, the complement: PRPF8 is on the minus strand). VCF-style: chr17-1680956-T-C. GRCh37 (hg19) VCF-style: chr17-1584250-T-C.
Other names: short protein forms N322S.
Identifiers: ClinVar variation 2214575 (VCV002214575.6), dbSNP rs953338, ClinGen allele CA8272502.
Genomic context (GRCh38, chr17:1,680,956, plus strand): 5'-TCCTTTCCAAATGTTGTGTTCCAGGTCTCTTACCAGGTGAGGTGGACATGGTGTGGAAGA[T>C]TGTTGTACAAGTAAGGAAAAGCAATCTTGTACTCAGTGCGGATAGGCTGCCGGATGATAA-3'
Protein context (NP_006436.3, residues 312-332): YKIAFPYLYN[Asn322Ser]LPHHVHLTWY